The following is an entry in ClinVar:

NM_020745.4(AARS2):c.750-200A>G

Gene: AARS2 (alanyl-tRNA synthetase 2, mitochondrial; minus strand). Cytogenetic location: 6p21.1.
Variant type: single nucleotide variant.
Coding change: c.750-200A>G on transcript NM_020745.4 (MANE Select); 200 bases into the intron before coding-DNA position 750, A replaced by G.
Molecular consequence: intron variant.
Genome position (GRCh38, 1-based): chr6:44,310,643, T>C on the plus strand (A>G on the coding strand, the complement: AARS2 is on the minus strand). VCF-style: chr6-44310643-T-C. GRCh37 (hg19) VCF-style: chr6-44278380-T-C.
Identifiers: ClinVar variation 673070 (VCV000673070.1), dbSNP rs77138332, ClinGen allele CA138393828.

ClinVar aggregate classification (germline): Likely benign (1 of 4 stars; one submission).

Allele frequency attached by ClinVar (database versions not stated): gnomAD 0.01001 and 0.01074; TOPMed 0.01107; 1000 Genomes Project 0.01138; 1000 Genomes Project 30x 0.01202.
gnomAD v4.1: 1,510 of 152,364 alleles (0.99%); highest among the groups gnomAD compares: African/African-American, 3.5%; 21 homozygotes.

Submission:

GeneDx
Classification: Likely benign. Last evaluated: 2018-06-14. Review status: criteria provided, single submitter. Criteria: GeneDx Variant Classification (06012015). Collection method: clinical testing. Allele origin: germline. Affected: yes.
Comment: This variant is considered likely benign or benign based on one or more of the following criteria: it is a conservative change, it occurs at a poorly conserved position in the protein, it is predicted to be benign by multiple in silico algorithms, and/or has population frequency not consistent with disease.